The following is an entry in ClinVar:

ClinVar aggregate classification (germline): Likely benign. Review status: criteria provided, multiple submitters, no conflicts (2 of 4 stars). 2 submissions from 2 submitters: Likely benign (2). Last evaluated 2021-05-25.

Conditions:
Qualitative or quantitative defects of beta-sarcoglycan. Identifiers: Orphanet 207063, MedGen C2930900, MONDO:0016142.

Allele frequency attached by ClinVar (database versions not stated): 1000 Genomes Project 0.00260; 1000 Genomes Project 30x 0.00265; TOPMed 0.00870; gnomAD 0.00945 and 0.00971.

Submissions (2):

GeneDx
Classification: Likely benign. Last evaluated: 2021-05-25. Review status: criteria provided, single submitter. Criteria: GeneDx Variant Classification Process June 2021. Collection method: clinical testing. Allele origin: germline. Affected: yes.

Illumina Laboratory Services, Illumina
Classification: Likely benign for Qualitative or quantitative defects of beta-sarcoglycan. Last evaluated: 2018-01-12. Review status: criteria provided, single submitter. Criteria: ICSL Variant Classification Criteria 13 December 2019. Collection method: clinical testing. Allele origin: germline.
Comment: This variant was observed in the ICSL laboratory as part of a predisposition screen in an ostensibly healthy population. It had not been previously curated by ICSL or reported in the Human Gene Mutation Database (HGMD: prior to June 1st, 2018), and was therefore a candidate for classification through an automated scoring system. Utilizing variant allele frequency, disease prevalence and penetrance estimates, and inheritance mode, an automated score was calculated to assess if this variant is too frequent to cause the disease. Based on the score and internal cut-off values, a variant classified as likely benign is not then subjected to further curation. The score for this variant resulted in a classification of likely benign for this disease.

NM_000232.5(SGCB):c.*724C>T

Gene: SGCB (sarcoglycan beta; minus strand). Cytogenetic location: 4q12.
Variant type: single nucleotide variant.
Coding change: c.*724C>T on transcript NM_000232.5 (MANE Select); 724 bases downstream of the stop codon, C replaced by T.
Molecular consequence: 3 prime UTR variant.
Genome position (GRCh38, 1-based): chr4:52,023,233, G>A on the plus strand (C>T on the coding strand, the complement: SGCB is on the minus strand). VCF-style: chr4-52023233-G-A. GRCh37 (hg19) VCF-style: chr4-52889399-G-A.
Identifiers: ClinVar variation 348875 (VCV000348875.7), dbSNP rs79282232, ClinGen allele CA10621169.